The following is an entry in ClinVar:

NM_007194.4(CHEK2):c.1169A>G (p.Tyr390Cys)

Gene: CHEK2 (checkpoint kinase 2; minus strand). Cytogenetic location: 22q12.1.
Variant type: single nucleotide variant.
Coding change: c.1169A>G on transcript NM_007194.4 (MANE Select); coding-DNA position 1169, A replaced by G.
Protein change: p.Tyr390Cys; replaces tyrosine 390 with cysteine.
Molecular consequence: missense variant.
Genome position (GRCh38, 1-based): chr22:28,695,800, T>C on the plus strand (A>G on the coding strand, the complement: CHEK2 is on the minus strand). VCF-style: chr22-28695800-T-C. GRCh37 (hg19) VCF-style: chr22-29091788-T-C.
Other names: c.1298A>G, p.Tyr433Cys (NM_001005735.3); c.506A>G, p.Tyr169Cys (NM_001257387.3); c.968A>G, p.Tyr323Cys (NM_001349956.3); c.1082A>G, p.Tyr361Cys (NM_145862.3); short protein forms Y390C, Y323C, Y361C, Y433C, Y169C.
Identifiers: ClinVar variation 410015 (VCV000410015.28), dbSNP rs200928781, ClinGen allele CA16616553.
Genomic context (GRCh38, chr22:28,695,800, plus strand): 5'-CAGTCCACAGCACGGTTATACCCAGCAGTCCCAACAGAAACAAGAACTTCAGGCGCCAAG[T>C]AGGTGGGGGTTCCACATAAGGTTCTCATGAGAGAGGTCTCTCCCAAAATCTTGGAGTGCC-3'
Protein context (NP_009125.1, residues 380-400): LMRTLCGTPT[Tyr390Cys]LAPEVLVSVG

ClinVar aggregate classification (germline): Conflicting classifications of pathogenicity. Review status: criteria provided, conflicting classifications (1 of 4 stars). 10 submissions from 10 submitters: Likely pathogenic (5); Uncertain significance (2). 3 of the submissions do not count toward it. Last evaluated 2026-01-09.

Conditions:
Hereditary breast ovarian cancer syndrome. Also called: Hereditary breast and ovarian cancer; Hereditary breast and/or ovarian cancer syndrome; BRCA1- and BRCA2-Associated Hereditary Breast and Ovarian Cancer; Hereditary breast and ovarian cancer syndrome; Hereditary breast and ovarian cancer syndrome (HBOC); Breast and ovarian cancer. Identifiers: Orphanet 145, MedGen C0677776, MeSH D061325, MONDO:0003582. Disease mechanism: loss of function.
Hereditary cancer-predisposing syndrome. Also called: Tumor predisposition; Hereditary Cancer Syndrome; Hereditary neoplastic syndrome; Neoplastic Syndromes, Hereditary. Identifiers: Orphanet 140162, MedGen C0027672, MeSH D009386, MONDO:0015356.
Hereditary nonpolyposis colon cancer (HNPCC). Also called: Hereditary nonpolyposis colorectal cancer; Familial nonpolyposis colon cancer; Hereditary Nonpolyposis Colorectal Cancer Syndrome. Identifiers: Orphanet 443909, MedGen C1333990, MONDO:0018630. Disease mechanism: loss of function.
Familial cancer of breast. Also called: BREAST CANCER, FAMILIAL; Hereditary breast cancer; hereditary breast carcinoma. Identifiers: Orphanet 227535, MedGen C0346153, MONDO:0016419, OMIM 114480. Disease mechanism: loss of function.

Allele frequency attached by ClinVar (database versions not stated): TOPMed 0.00001.
gnomAD v4.1: 5 of 1,613,294 alleles (0.00031%); highest among the groups gnomAD compares: Non-Finnish European, 0.00042%; no homozygotes.

Submissions (10):

Labcorp Genetics (formerly Invitae), Labcorp
Classification: Uncertain significance for Familial cancer of breast. Last evaluated: 2026-01-09. Review status: criteria provided, single submitter. Criteria: Invitae Variant Classification Sherloc (09022015). Collection method: clinical testing. Allele origin: germline.
Comment: This sequence change replaces tyrosine, which is neutral and polar, with cysteine, which is neutral and slightly polar, at codon 390 of the CHEK2 protein (p.Tyr390Cys). This variant is not present in population databases (gnomAD no frequency). This missense change has been observed in individual(s) with breast cancer and/or ovarian cancer and healthy controls (PMID: 25619829, 31871109, 32959997, 34991090). This variant is also known as c.1298A>G (p.Tyr433Cys). ClinVar contains an entry for this variant (Variation ID: 410015). An algorithm developed to predict the effect of missense changes on protein structure and function (PolyPhen-2) suggests that this variant is likely to be disruptive. Experimental studies have shown that this missense change affects CHEK2 function (PMID: 25619829, 37449874). This variant disrupts the p.Tyr390 amino acid residue in CHEK2. Other variant(s) that disrupt this residue have been determined to be pathogenic (PMID: 22114986, 25503501, 27553368, 27751358, 30441849, 30613976, 32957588, 33919281, 33925588; internal data). This suggests that this residue is clinically significant, and that variants that disrupt this residue are likely to be disease-causing. In summary, the available evidence is currently insufficient to determine the role of this variant in disease. Therefore, it has been classified as a Variant of Uncertain Significance.

Ambry Genetics
Classification: Likely pathogenic for Hereditary cancer-predisposing syndrome. Last evaluated: 2025-04-10. Review status: criteria provided, single submitter. Criteria: Ambry Variant Classification Scheme 2023. Collection method: clinical testing. Allele origin: germline.
Comment: The p.Y390C variant (also known as c.1169A>G), located in coding exon 10 of the CHEK2 gene, results from an A to G substitution at nucleotide position 1169. The tyrosine at codon 390 is replaced by cysteine, an amino acid with highly dissimilar properties. In one study, this variant was reported in 2/60,466 breast cancer cases and in 0/53,461 controls (Dorling et al. N Engl J Med. 2021 02;384:428-439). This alteration was also detected in 3/95 Turkish women with breast or ovarian cancer who were diagnosed before 50 years of age and known to not carry mutations in the BRCA1, BRCA2, and PALB2 genes and in 1/60 controls without breast cancer and without a family history of breast cancer (Aksoy F et al. Hum Hered, 2022 Jan). This alteration occurs at a statistically increased frequency in Chinese breast cancer patients compared to an ethnically- and age-matched control population (Wang N et al. Oncogene, 2015 Oct;34:5198-205). This variant is unable to efficiently phosphorylate p53 and CDC25A and CHEK2-knockdown cells rescued with this variant also show weaker expression of p53 transcriptional targets. These defects may directly contribute to the observed inability of this variant to restore sensitivity to DNA damaging agents; increased cell survival; decreased rates of apoptosis; and deregulation of the cell cycle after DNA damage, each of which were similar to cells which had CHEK2-knockdown in contrast to cells rescued with wildtype CHEK2 (Wang N et al. Oncogene, 2015 Oct;34:5198-205; Luo L et al. Med. Sci. Monit., 2018 May;24:3176-3183). This alteration was also reported as damaging in an mES cell-based assay of CHEK2 activity (Boonen RACM et al. Cancer Res, 2022 Feb;82:615-631). Based on internal structural assessment, this alteration disrupts a highly conserved motif in kinases that is necessary for positioning the activation loop (Lountos GT et al. J. Struct. Biol., 2011 Dec;176:292-301; Moore MJ et al. J. Biol. Chem., 2003 Mar;278:10613-8; Ambry internal data). This amino acid position is highly conserved in available vertebrate species. In addition, this alteration is predicted to be deleterious by in silico analysis. Based on the majority of available evidence to date, this variant is likely to be pathogenic.

German Consortium for Hereditary Breast and Ovarian Cancer, University Hospital Cologne
Classification: Likely pathogenic for Hereditary breast ovarian cancer syndrome. Last evaluated: 2023-10-12. Review status: criteria provided, single submitter. Criteria: ACMG Guidelines, 2015. Collection method: curation. Allele origin: germline.
Comment: Located in Kinase domain, Loss of function in both assays applied by Stolarova et al. as well as in Boonen et al. 2022,PS3, Prediction deleterious PP3_sup, not in gnomAD PM2_sup. According to the ACMG standard criteria we chose these criteria: PS3 (strong pathogenic): Loss of function in Stolarova et al. 2023, Boonen et al. 2021 and Wang et al. 2015, PM2 (supporting pathogenic): Not in gnomAD, PP3 (supporting pathogenic): In silico prediction deleterious

Myriad Genetics, Inc.
Classification: Likely pathogenic for Familial cancer of breast. Last evaluated: 2023-06-28. Review status: criteria provided, single submitter. Criteria: Myriad Autosomal Dominant, Autosomal Recessive and X-Linked Classification Criteria (2023). Collection method: clinical testing. Allele origin: unknown.
Comment: This variant is considered likely pathogenic. Functional studies indicate this variant impacts protein function [PMID: 25619829, 29761796].

Women's Health and Genetics/Laboratory Corporation of America, LabCorp
Classification: Uncertain significance. Last evaluated: 2023-01-09. Review status: criteria provided, single submitter. Criteria: LabCorp Variant Classification Summary - May 2015. Collection method: clinical testing. Allele origin: germline.
Comment: Variant summary: CHEK2 c.1169A>G (p.Tyr390Cys) results in a non-conservative amino acid change located in the protein kinase domain (IPR000719) of the encoded protein sequence. Five of five in-silico tools predict a damaging effect of the variant on protein function. The variant was absent in 251046 control chromosomes. The available data on variant occurrences in the general population are insufficient to allow any conclusion about variant significance. c.1169A>G has been reported in the literature in individuals affected with Hereditary Breast And Ovarian Cancer Syndrome and in multiple case control studies was reported at a higher frequency in cases than controls (Wang_2015, Aksoy_2022, Adedokun_2020), however these reports do not show strong evidence for causality (segregation data,etc). These reports therefore do not provide unequivocal conclusions about association of the variant with Hereditary Breast And Ovarian Cancer Syndrome. At least three publications have reported experimental evidence evaluating an impact on protein function, finding that cells expressing the variant of interest display reduced sensitivity to DNA-damaging agents as well as impaired p53 activitation, cell cycle arrest, and apoptosis upon DNA damage as well as reduced kinase activity toward Kap1; cells expressing the CHEK2 Y390C variant behaved similarly to CHEK2-null cells expressing an empty-vector control (e.g., Wang_2015, Luo_2018, Boonen_2022). Additionally, a different variant affecting the same codon has been reported as pathogenic by our lab (p.Tyr390Ser). Two clinical diagnostic laboratories have submitted clinical-significance assessments for this variant to ClinVar after 2014. One laboratory classified the variant as likely pathogenic, and one laboratory classified the variant as uncertain significance. Based on the evidence outlined above, the variant was classified as VUS-possibly pathogenic.

Baylor Genetics
Classification: Likely pathogenic for Familial cancer of breast. Last evaluated: 2022-07-21. Review status: criteria provided, single submitter. Criteria: ACMG Guidelines, 2015. Collection method: clinical testing. Allele origin: unknown.

Department of Pathology and Laboratory Medicine, Sinai Health System
Classification: Likely pathogenic for hereditary nonpolyposis colon cancer. Last evaluated: 2021-07-14. Review status: criteria provided, single submitter. Criteria: ACMG Guidelines, 2015. Collection method: clinical testing. Allele origin: germline. Affected: yes.

Diagnostic Laboratory, Department of Genetics, University Medical Center Groningen
Classification: Uncertain significance. Review status: no assertion criteria provided. Collection method: clinical testing. Allele origin: germline. Affected: yes. Study: VKGL Data-share Consensus. Not counted in ClinVar's aggregate classification.

Genome Diagnostics Laboratory, Amsterdam University Medical Center
Classification: Uncertain significance. Review status: no assertion criteria provided. Collection method: clinical testing. Allele origin: germline. Affected: yes. Study: VKGL Data-share Consensus. Not counted in ClinVar's aggregate classification.

Joint Genome Diagnostic Labs from Nijmegen and Maastricht, Radboudumc and MUMC+
Classification: Uncertain significance. Review status: no assertion criteria provided. Collection method: clinical testing. Allele origin: germline. Affected: yes. Study: VKGL Data-share Consensus. Not counted in ClinVar's aggregate classification.

Literature cited by the submitters: PubMed 25619829 (cited by 5 submitters); PubMed 31871109 (cited by Labcorp Genetics (formerly Invitae), Labcorp and Women's Health and Genetics/Laboratory Corporation of America, LabCorp); PubMed 32959997 (cited by Labcorp Genetics (formerly Invitae), Labcorp and Women's Health and Genetics/Laboratory Corporation of America, LabCorp); PubMed 34991090 (cited by 3 submitters); PubMed 37449874 (cited by Labcorp Genetics (formerly Invitae), Labcorp); PubMed 22114986 (cited by Labcorp Genetics (formerly Invitae), Labcorp); PubMed 25503501 (cited by Labcorp Genetics (formerly Invitae), Labcorp); PubMed 27553368 (cited by Labcorp Genetics (formerly Invitae), Labcorp); PubMed 27751358 (cited by Labcorp Genetics (formerly Invitae), Labcorp); PubMed 30441849 (cited by Labcorp Genetics (formerly Invitae), Labcorp); PubMed 30613976 (cited by Labcorp Genetics (formerly Invitae), Labcorp); PubMed 32957588 (cited by Labcorp Genetics (formerly Invitae), Labcorp); PubMed 33919281 (cited by Labcorp Genetics (formerly Invitae), Labcorp); PubMed 33925588 (cited by Labcorp Genetics (formerly Invitae), Labcorp); PubMed 12499371 (cited by Ambry Genetics); PubMed 21963792 (cited by Ambry Genetics); PubMed 29761796 (cited by 4 submitters); PubMed 33471991 (cited by Ambry Genetics); PubMed 34903604 (cited by Ambry Genetics and Women's Health and Genetics/Laboratory Corporation of America, LabCorp).